The following is an entry in ClinVar:

NM_002506.3(NGF):c.316G>A (p.Glu106Lys)

Genes: NGF (nerve growth factor; minus strand), NGF-AS1 (NGF antisense RNA 1; plus strand). Cytogenetic location: 1p13.2.
Variant type: single nucleotide variant.
Coding change: c.316G>A on transcript NM_002506.3 (MANE Select); coding-DNA position 316, G replaced by A.
Protein change: p.Glu106Lys; replaces glutamic acid 106 with lysine.
Molecular consequence: missense variant.
Genome position (GRCh38, 1-based): chr1:115,286,480, C>T on the plus strand (G>A on the coding strand, the complement: NGF is on the minus strand). VCF-style: chr1-115286480-C-T. GRCh37 (hg19) VCF-style: chr1-115829101-C-T.
Other names: short protein forms E106K.
Identifiers: ClinVar variation 850380 (VCV000850380.7), dbSNP rs755580704, ClinGen allele CA1022996.
Genomic context (GRCh38, chr1:115,286,480, plus strand): 5'-GATGGGATGATGACCGCTTGCTCCTGTGAGTCCTGTTGAAGGGGGCAGCACCACCGACCT[C>T]GAAGTCCAGATCCTGAGTGTCTGCAGCTTCACGGGGAGGCTGGGTGCTAAACAGCACACG-3'
Protein context (NP_002497.2, residues 96-116): EAADTQDLDF[Glu106Lys]VGGAAPFNRT

ClinVar aggregate classification (germline): Uncertain significance (1 of 4 stars; one submission).

Conditions:
Congenital sensory neuropathy with selective loss of small myelinated fibers (HSAN5). Also called: HSAN Type V. Identifiers: Orphanet 64752, MedGen C0020075, MONDO:0012092, OMIM 608654.

Allele frequency attached by ClinVar (database versions not stated): gnomAD exomes below 0.00001 and 0.00001; ExAC 0.00001.
gnomAD v4.1: 10 of 1,613,984 alleles (0.00062%); highest among the groups gnomAD compares: South Asian, 0.0011%; no homozygotes.

Submission:

Labcorp Genetics (formerly Invitae), Labcorp
Classification: Uncertain significance for Congenital sensory neuropathy with selective loss of small myelinated fibers. Last evaluated: 2022-10-23. Review status: criteria provided, single submitter. Criteria: Invitae Variant Classification Sherloc (09022015). Collection method: clinical testing. Allele origin: germline.
Comment: In summary, the available evidence is currently insufficient to determine the role of this variant in disease. Therefore, it has been classified as a Variant of Uncertain Significance. Advanced modeling of protein sequence and biophysical properties (such as structural, functional, and spatial information, amino acid conservation, physicochemical variation, residue mobility, and thermodynamic stability) performed at Invitae indicates that this missense variant is not expected to disrupt NGF protein function. ClinVar contains an entry for this variant (Variation ID: 850380). This variant has not been reported in the literature in individuals affected with NGF-related conditions. This variant is present in population databases (rs755580704, gnomAD 0.0009%). This sequence change replaces glutamic acid, which is acidic and polar, with lysine, which is basic and polar, at codon 106 of the NGF protein (p.Glu106Lys).